The following is an entry in ClinVar:

NM_000742.4(CHRNA2):c.1555C>T (p.Leu519Phe)

Gene: CHRNA2 (cholinergic receptor nicotinic alpha 2 subunit; minus strand). Cytogenetic location: 8p21.2.
Variant type: single nucleotide variant.
Coding change: c.1555C>T on transcript NM_000742.4 (MANE Select); coding-DNA position 1555, C replaced by T.
Protein change: p.Leu519Phe; replaces leucine 519 with phenylalanine.
Molecular consequence: missense variant.
Genome position (GRCh38, 1-based): chr8:27,461,664, G>A on the plus strand (C>T on the coding strand, the complement: CHRNA2 is on the minus strand). VCF-style: chr8-27461664-G-A. GRCh37 (hg19) VCF-style: chr8-27319181-G-A.
Other names: c.1555C>T (NM_000742.3); c.1510C>T, p.Leu504Phe (NM_001282455.2); c.1078C>T, p.Leu360Phe (NM_001347705.2, NM_001347706.2); c.961C>T, p.Leu321Phe (NM_001347707.2, NM_001347708.2); short protein forms L321F, L504F, L519F, L360F.
Identifiers: ClinVar variation 1464404 (VCV001464404.10), dbSNP rs1586386548, ClinGen allele CA370806797.

ClinVar aggregate classification (germline): Uncertain significance. Review status: criteria provided, multiple submitters, no conflicts (2 of 4 stars). 2 submissions from 2 submitters: Uncertain significance (2). Last evaluated 2024-12-02.

Conditions:
Familial sleep-related hypermotor epilepsy. Also called: Autosomal Dominant Sleep-Related Hypermotor (Hyperkinetic) Epilepsy. Identifiers: Orphanet 98784, MedGen C3696898, MONDO:0000030.
Inborn genetic diseases. Identifiers: MedGen C0950123, MeSH D030342.

Allele frequency attached by ClinVar (database versions not stated): TOPMed 0.00001; gnomAD exomes 0.00001.
gnomAD v4.1: 3 of 1,614,246 alleles (0.00019%); highest among the groups gnomAD compares: East Asian, 0.0067%; no homozygotes.

Submissions (2):

Labcorp Genetics (formerly Invitae), Labcorp
Classification: Uncertain significance. Last evaluated: 2024-12-02. Review status: criteria provided, single submitter. Criteria: Invitae Variant Classification Sherloc (09022015). Collection method: clinical testing. Allele origin: germline.
Comment: This sequence change replaces leucine, which is neutral and non-polar, with phenylalanine, which is neutral and non-polar, at codon 519 of the CHRNA2 protein (p.Leu519Phe). This variant is not present in population databases (gnomAD no frequency). This variant has not been reported in the literature in individuals affected with CHRNA2-related conditions. ClinVar contains an entry for this variant (Variation ID: 1464404). Invitae Evidence Modeling of protein sequence and biophysical properties (such as structural, functional, and spatial information, amino acid conservation, physicochemical variation, residue mobility, and thermodynamic stability) indicates that this missense variant is not expected to disrupt CHRNA2 protein function with a negative predictive value of 80%. In summary, the available evidence is currently insufficient to determine the role of this variant in disease. Therefore, it has been classified as a Variant of Uncertain Significance.

Ambry Genetics
Classification: Uncertain significance for Inborn genetic diseases. Last evaluated: 2023-02-28. Review status: criteria provided, single submitter. Criteria: Ambry Variant Classification Scheme 2023. Collection method: clinical testing. Allele origin: germline.